The following is an entry in ClinVar:

NM_004006.3(DMD):c.8161A>C (p.Lys2721Gln)

Gene: DMD (dystrophin; minus strand). Cytogenetic location: Xp21.1.
Variant type: single nucleotide variant.
Coding change: c.8161A>C on transcript NM_004006.3 (MANE Select); coding-DNA position 8161, A replaced by C.
Protein change: p.Lys2721Gln; replaces lysine 2721 with glutamine.
Molecular consequence: missense variant.
Genome position (GRCh38, 1-based): chrX:31,627,729, T>G on the plus strand (A>C on the coding strand, the complement: DMD is on the minus strand). VCF-style: chrX-31627729-T-G. GRCh37 (hg19) VCF-style: chrX-31645846-T-G.
Other names: c.8137A>C, p.Lys2713Gln (NM_000109.4); c.8149A>C, p.Lys2717Gln (NM_004009.3); c.7792A>C, p.Lys2598Gln (NM_004010.3); c.4138A>C, p.Lys1380Gln (NM_004011.4); c.4129A>C, p.Lys1377Gln (NM_004012.4); c.781A>C, p.Lys261Gln (NM_004013.3, NM_004020.4, NM_004021.3 and 2 more transcripts); short protein forms K2713Q, K2721Q, K261Q, K1377Q, K1380Q, K2598Q, K2717Q.
Identifiers: ClinVar variation 2016863 (VCV002016863.4), dbSNP rs2148422260, ClinGen allele CA412657176.

ClinVar aggregate classification (germline): Uncertain significance (1 of 4 stars; one submission).

Conditions:
Duchenne muscular dystrophy (DMD). Also called: MUSCULAR DYSTROPHY, PSEUDOHYPERTROPHIC PROGRESSIVE, DUCHENNE TYPE; Duchenne Muscular Dystrophy (DMD). Identifiers: Orphanet 98896, MedGen C0013264, MONDO:0010679, OMIM 310200.

Submission:

Labcorp Genetics (formerly Invitae), Labcorp
Classification: Uncertain significance for Duchenne muscular dystrophy. Last evaluated: 2022-07-14. Review status: criteria provided, single submitter. Criteria: Invitae Variant Classification Sherloc (09022015). Collection method: clinical testing. Allele origin: germline.
Comment: In summary, the available evidence is currently insufficient to determine the role of this variant in disease. Therefore, it has been classified as a Variant of Uncertain Significance. Algorithms developed to predict the effect of missense changes on protein structure and function are either unavailable or do not agree on the potential impact of this missense change (SIFT: "Deleterious"; PolyPhen-2: "Possibly Damaging"; Align-GVGD: "Class C0"). This variant has not been reported in the literature in individuals affected with DMD-related conditions. This variant is not present in population databases (gnomAD no frequency). This sequence change replaces lysine, which is basic and polar, with glutamine, which is neutral and polar, at codon 2721 of the DMD protein (p.Lys2721Gln).